The following is an entry in ClinVar:

ClinVar aggregate classification (germline): Uncertain significance (1 of 4 stars; one submission).

Conditions:
Charcot-Marie-Tooth disease type 2. Also called: Charcot-Marie-Tooth type 2. Identifiers: Orphanet 64746, MedGen C0270914, MONDO:0018993.

Allele frequency attached by ClinVar (database versions not stated): ExAC 0.00001.

Submission:

Labcorp Genetics (formerly Invitae), Labcorp
Classification: Uncertain significance for Charcot-Marie-Tooth disease type 2. Last evaluated: 2023-01-19. Review status: criteria provided, single submitter. Criteria: Invitae Variant Classification Sherloc (09022015). Collection method: clinical testing. Allele origin: germline.
Comment: In summary, the available evidence is currently insufficient to determine the role of this variant in disease. Therefore, it has been classified as a Variant of Uncertain Significance. Advanced modeling of protein sequence and biophysical properties (such as structural, functional, and spatial information, amino acid conservation, physicochemical variation, residue mobility, and thermodynamic stability) performed at Invitae indicates that this missense variant is not expected to disrupt AARS protein function. This variant has not been reported in the literature in individuals affected with AARS-related conditions. This variant is not present in population databases (gnomAD no frequency). This sequence change replaces methionine, which is neutral and non-polar, with isoleucine, which is neutral and non-polar, at codon 862 of the AARS protein (p.Met862Ile).

NM_001605.3(AARS1):c.2586G>A (p.Met862Ile)

Gene: AARS1 (alanyl-tRNA synthetase 1; minus strand). Cytogenetic location: 16q22.1.
Variant type: single nucleotide variant.
Coding change: c.2586G>A on transcript NM_001605.3 (MANE Select); coding-DNA position 2586, G replaced by A.
Protein change: p.Met862Ile; replaces methionine 862 with isoleucine.
Molecular consequence: missense variant.
Genome position (GRCh38, 1-based): chr16:70,253,735, C>T on the plus strand (G>A on the coding strand, the complement: AARS1 is on the minus strand). VCF-style: chr16-70253735-C-T. GRCh37 (hg19) VCF-style: chr16-70287638-C-T.
Other names: short protein forms M862I.
Identifiers: ClinVar variation 2830176 (VCV002830176.3), dbSNP rs750606212, ClinGen allele CA8140360.